The following is an entry in ClinVar:

ClinVar aggregate classification (germline): Pathogenic (1 of 4 stars; one submission).

Conditions:
Tooth agenesis, selective, 1. Also called: HYPODONTIA/OLIGODONTIA 1; SECOND PREMOLARS AND THIRD MOLARS, ABSENCE OF. Identifiers: Orphanet 99798, MedGen C3489529, MONDO:0007129, OMIM 106600. Disease mechanism: loss of function.

Submission:

Center of Excellence in Precision Medicine and Digital Health (CEPMDH), Faculty of Dentistry, Chulalongkorn University
Classification: Pathogenic for Tooth agenesis, selective, 1. Last evaluated: 2025-12-01. Review status: criteria provided, single submitter. Criteria: ACMG Guidelines, 2015. Collection method: research. Allele origin: germline. Inheritance: Autosomal dominant inheritance. Affected: yes. Observed: 5 variant alleles, 1 heterozygote. Clinical features observed: Oligodontia (HP:0000677).
Comment: The variant is classified as pathogenic according to the ACMG criteria (PVS1 PM1 PM2 PP3)

NM_002448.3(MSX1):c.594_595insCTCGCCAGGTACTGGTACTGTCC (p.Ile199fs)

Gene: MSX1 (msh homeobox 1; plus strand). Cytogenetic location: 4p16.2.
Variant type: Insertion.
Coding change: c.594_595insCTCGCCAGGTACTGGTACTGTCC on transcript NM_002448.3 (MANE Select); coding-DNA positions 594 to 595, CTCGCCAGGTACTGGTACTGTCC inserted.
Protein change: p.Ile199fs; shifts the reading frame from isoleucine 199.
Molecular consequence: frameshift variant.
Genome position: GRCh38 VCF-style: chr4-4862819-C-CCTGTCCCTCGCCAGGTACTGGTA. GRCh37 (hg19) VCF-style: chr4-4864546-C-CCTGTCCCTCGCCAGGTACTGGTA.
Other names: short protein forms I199fs.
Identifiers: ClinVar variation 4974539 (VCV004974539.1).
Genomic context (GRCh38, chr4:4,862,819, plus strand): 5'-GACGCCCTTCACCACCGCGCAGCTGCTGGCGCTGGAGCGCAAGTTCCGCCAGAAGCAGTA[C>CCTGTCCCTCGCCAGGTACTGGTA]CTGTCCATCGCCGAGCGCGCGGAGTTCTCCAGCTCGCTCAGCCTCACTGAGACGCAGGTG-3'